The following is an entry in ClinVar:

NM_001243439.2(SPECC1):c.3087G>A (p.Ala1029=)

Gene: SPECC1 (sperm antigen with calponin homology and coiled-coil domains 1; plus strand). Cytogenetic location: 17p11.2.
Variant type: single nucleotide variant.
Coding change: c.3087G>A on transcript NM_001243439.2 (MANE Select); coding-DNA position 3087, G replaced by A.
Protein change: p.Ala1029=; no amino-acid change (alanine 1029 retained).
Molecular consequence: synonymous variant. On other transcripts: 3 prime UTR variant (1), intron variant (1).
Genome position (GRCh38, 1-based): chr17:20,306,052, G>A. VCF-style: chr17-20306052-G-A. GRCh37 (hg19) VCF-style: chr17-20209365-G-A.
Other names: c.2844G>A, p.Ala948= (NM_001033555.3); c.1107G>A, p.Ala369= (NM_001386077.2); c.1605G>A, p.Ala535= (NM_001386078.2); c.2415G>A, p.Ala805= (NM_001386080.1); c.*4G>A (NM_001386081.1); c.3087G>A, p.Ala1029= (NM_001386083.2, NM_001033553.3); c.2970G>A, p.Ala990= (NM_001386085.1); c.3058-7924G>A (NM_001386082.1).
Identifiers: ClinVar variation 2647567 (VCV002647567.24), dbSNP rs139428957, ClinGen allele CA8447072.

ClinVar aggregate classification (germline): Likely benign (1 of 4 stars; one submission).

Allele frequency attached by ClinVar (database versions not stated): ESP Exome Variant Server 0.00115; gnomAD exomes 0.00134; ExAC 0.00161; gnomAD 0.00184; 1000 Genomes Project 30x 0.00187; 1000 Genomes Project 0.00200; TOPMed 0.00204.
gnomAD v4.1: 2,245 of 1,613,826 alleles (0.14%); highest among the groups gnomAD compares: Middle Eastern, 0.61%; 5 homozygotes.

Submission:

CeGaT Center for Human Genetics Tuebingen
Classification: Likely benign. Last evaluated: 2022-07-01. Review status: criteria provided, single submitter. Criteria: CeGaT Center For Human Genetics Tuebingen Variant Classification Criteria Version 2. Collection method: clinical testing. Allele origin: germline. Affected: yes. Observed: 1 variant allele.
Comment: SPECC1: BP4, BP7